The following is an entry in ClinVar:

ClinVar aggregate classification (germline): Uncertain significance (0 of 4 stars; one submission).

Submission:

Greenwood Genetic Center Diagnostic Laboratories, Greenwood Genetic Center
Classification: Uncertain significance. Last evaluated: 2021-07-15. Review status: no assertion criteria provided. Collection method: clinical testing. Allele origin: germline. Affected: yes.
Comment: Gene of uncertain significance

NM_020123.4(TM9SF3):c.909_910insTGTTCTGGATGTCAGATATTTGCT (p.Ala303_Val304insCysSerGlyCysGlnIlePheAla)

Gene: TM9SF3 (transmembrane 9 superfamily member 3; minus strand). Cytogenetic location: 10q24.1.
Variant type: Insertion.
Coding change: c.909_910insTGTTCTGGATGTCAGATATTTGCT on transcript NM_020123.4 (MANE Select); coding-DNA positions 909 to 910, TGTTCTGGATGTCAGATATTTGCT inserted.
Protein change: p.Ala303_Val304insCysSerGlyCysGlnIlePheAla.
Molecular consequence: inframe insertion.
Genome position: GRCh38 VCF-style: chr10-96551294-C-CAGCAAATATCTGACATCCAGAACA. GRCh37 (hg19) VCF-style: chr10-98311051-C-CAGCAAATATCTGACATCCAGAACA.
Identifiers: ClinVar variation 1334505 (VCV001334505.4), dbSNP rs2134143642, ClinGen allele CA2573053387.
Genomic context (GRCh38, chr10:96,551,294, plus strand): 5'-TAGGCACTTACTCAGTATATAAATCTTCTATCATTGCAACAATAATAACGATGAGAGACA[C>CAGCAAATATCTGACATCCAGAACA]AGCAAATATCTGACATCCAGAACCAATCAGAGAGGAAAATATCAGTGGGTGACTTGATGG-3'